The following is an entry in ClinVar:

ClinVar aggregate classification (germline): Conflicting classifications of pathogenicity. Review status: criteria provided, conflicting classifications (1 of 4 stars). 10 submissions from 9 submitters: Uncertain significance (9); Benign (1). Last evaluated 2026-09-10.

Conditions:
Colorectal cancer, hereditary nonpolyposis, type 7. Identifiers: Orphanet 144, MedGen C1858380, MONDO:0013725, OMIM 614385.
Colorectal cancer. Also called: Malignant Colorectal Neoplasm; Colorectal cancer, somatic. Identifiers: MedGen C0346629, MONDO:0005575, OMIM 114500.
Endometrial carcinoma. Also called: Endometrial carcinoma, somatic. Identifiers: MedGen C0476089, MONDO:0002447, OMIM 608089, HP:0012114.

Allele frequency attached by ClinVar (database versions not stated): ESP Exome Variant Server 0.00008; gnomAD 0.00010; TOPMed 0.00011; gnomAD exomes 0.00019 and 0.00024; ExAC 0.00024.
gnomAD v4.1: 291 of 1,614,058 alleles (0.018%); highest among the groups gnomAD compares: South Asian, 0.098%; 2 homozygotes.

Submissions (10):

Ambry Genetics
Classification: Benign. Last evaluated: 2026-09-10. Review status: criteria provided, single submitter. Criteria: Ambry Variant Classification Scheme 2023. Collection method: clinical testing. Allele origin: germline.

Labcorp Genetics (formerly Invitae), Labcorp
Classification: Uncertain significance for Colorectal cancer, hereditary nonpolyposis, type 7. Last evaluated: 2025-10-19. Review status: criteria provided, single submitter. Criteria: Invitae Variant Classification Sherloc (09022015). Collection method: clinical testing. Allele origin: germline.
Comment: This sequence change replaces leucine, which is neutral and non-polar, with valine, which is neutral and non-polar, at codon 880 of the MLH3 protein (p.Leu880Val). This variant is present in population databases (rs201453923, gnomAD 0.1%), and has an allele count higher than expected for a pathogenic variant. This missense change has been observed in individual(s) with colorectal cancer (PMID: 29212164). ClinVar contains an entry for this variant (Variation ID: 570572). An algorithm developed to predict the effect of missense changes on protein structure and function (PolyPhen-2) suggests that this variant is likely to be tolerated. In summary, the available evidence is currently insufficient to determine the role of this variant in disease. Therefore, it has been classified as a Variant of Uncertain Significance.

Center for Genomic Medicine, Rigshospitalet, Copenhagen University Hospital
Classification: Uncertain significance. Last evaluated: 2025-03-04. Review status: criteria provided, single submitter. Criteria: ACMG Guidelines, 2015. Collection method: clinical testing. Allele origin: germline.

Mayo Clinic Laboratories, Mayo Clinic
Classification: Uncertain significance. Last evaluated: 2025-01-02. Review status: criteria provided, single submitter. Criteria: ACMG Guidelines, 2015. Collection method: clinical testing. Allele origin: germline. Observed: 1 variant allele.
Comment: BP4

Department of Pathology and Laboratory Medicine, Sinai Health System
Classification: Uncertain significance for Colorectal cancer; Endometrial carcinoma; Colorectal cancer, hereditary nonpolyposis, type 7. Last evaluated: 2024-12-30. Review status: criteria provided, single submitter. Criteria: ACMG Guidelines, 2015. Collection method: clinical testing. Allele origin: germline. Affected: yes.

Fulgent Genetics
Classification: Uncertain significance for Colorectal cancer; Endometrial carcinoma; Colorectal cancer, hereditary nonpolyposis, type 7. Last evaluated: 2024-04-11. Review status: criteria provided, single submitter. Criteria: ACMG Guidelines, 2015. Collection method: clinical testing. Allele origin: germline.

KCCC/NGS Laboratory, Kuwait Cancer Control Center
Classification: Uncertain significance for Colorectal cancer, hereditary nonpolyposis, type 7. Last evaluated: 2023-07-07. Review status: criteria provided, single submitter. Criteria: ACMG Guidelines, 2015. Collection method: clinical testing. Allele origin: unknown. Affected: yes.
Comment: This sequence change replaces leucine with valine at codon 880 of the MLH3 protein (p.Leu880Val). The leucine residue is moderately conserved and there is a small physicochemical difference between leucine and valine. This variant is present in population databases (rs201453923, ExAC 0.08%), and has an allele count higher than expected for a pathogenic variant (PMID: 28166811). This missense change has been observed in individual(s) with colorectal cancer (PMID: 29212164). ClinVar contains an entry for this variant (Variation ID: 570572). Algorithms developed to predict the effect of missense changes on protein structure and function are either unavailable or do not agree on the potential impact of this missense change (SIFT: "Deleterious"; PolyPhen-2: "Benign"). In summary, the available evidence is currently insufficient to determine the role of this variant in disease. Therefore, it has been classified as a Variant of Uncertain Significance.

KCCC/NGS Laboratory, Kuwait Cancer Control Center
Classification: Uncertain significance for Endometrial carcinoma. Last evaluated: 2023-07-05. Review status: criteria provided, single submitter. Criteria: ACMG Guidelines, 2015. Collection method: clinical testing. Allele origin: unknown. Inheritance: Autosomal dominant inheritance. Affected: no. Observed: 1 heterozygote.
Comment: the same text as in the submission from KCCC/NGS Laboratory, Kuwait Cancer Control Center above.

Institute for Clinical Genetics, University Hospital TU Dresden, University Hospital TU Dresden
Classification: Uncertain significance. Last evaluated: 2021-11-03. Review status: criteria provided, single submitter. Criteria: ACMG Guidelines, 2015. Collection method: clinical testing. Allele origin: germline.

Neuberg Centre For Genomic Medicine, NCGM
Classification: Uncertain significance for Colorectal cancer, hereditary nonpolyposis, type 7. Review status: criteria provided, single submitter. Criteria: ACMG Guidelines, 2015. Collection method: clinical testing. Allele origin: germline. Inheritance: Autosomal dominant inheritance. Affected: yes.
Comment: The observed missense variant c.2638C>G (p.Leu880Val) in MLH3 gene has been reported previously in individual(s) affected with MLH3-associated cancer (Raskin et al. 2017). This variant is present with an allele frequency of 0.02% in the gnomAD exomes database. This variant has been submitted to the ClinVar database as Uncertain Significance (multiple submissions). The amino acid change p.Leu880Val in MLH3 is predicted as conserved by GERP++ and PhyloP across 100 vertebrates. The amino acid Leu at position 880 is changed to a Val changing protein sequence and it might alter its composition and physico-chemical properties. For these reasons, this variant has been classified as a Variant of Uncertain Significance (VUS).

Literature cited by the submitters: PubMed 29212164 (cited by 5 submitters).

NM_001040108.2(MLH3):c.2638C>G (p.Leu880Val)

Gene: MLH3 (mutL homolog 3; minus strand). Cytogenetic location: 14q24.3.
Variant type: single nucleotide variant.
Coding change: c.2638C>G on transcript NM_001040108.2 (MANE Select); coding-DNA position 2638, C replaced by G.
Protein change: p.Leu880Val; replaces leucine 880 with valine.
Molecular consequence: missense variant.
Genome position (GRCh38, 1-based): chr14:75,047,018, G>C on the plus strand (C>G on the coding strand, the complement: MLH3 is on the minus strand). VCF-style: chr14-75047018-G-C. GRCh37 (hg19) VCF-style: chr14-75513721-G-C.
Other names: p.Leu880Val; c.2638C>G, p.Leu880Val (NM_014381.3); short protein forms L880V.
Identifiers: ClinVar variation 570572 (VCV000570572.27), dbSNP rs201453923, ClinGen allele CA7275669.